The following is an entry in ClinVar:

ClinVar aggregate classification (germline): Uncertain significance. Review status: criteria provided, multiple submitters, no conflicts (2 of 4 stars). 5 submissions from 5 submitters: Uncertain significance (5). Last evaluated 2026-01-05.

Conditions:
Hereditary nonpolyposis colorectal neoplasms. Identifiers: MedGen C0009405, MeSH D003123.
Hereditary cancer-predisposing syndrome. Also called: Hereditary neoplastic syndrome; Tumor predisposition; Neoplastic Syndromes, Hereditary; Hereditary Cancer Syndrome. Identifiers: Orphanet 140162, MedGen C0027672, MeSH D009386, MONDO:0015356.

Allele frequency attached by ClinVar (database versions not stated): gnomAD 0.00001.

Submissions (5):

Labcorp Genetics (formerly Invitae), Labcorp
Classification: Uncertain significance for Hereditary nonpolyposis colorectal neoplasms. Last evaluated: 2026-01-05. Review status: criteria provided, single submitter. Criteria: Invitae Variant Classification Sherloc (09022015). Collection method: clinical testing. Allele origin: germline.
Comment: This sequence change replaces leucine, which is neutral and non-polar, with valine, which is neutral and non-polar, at codon 109 of the MSH6 protein (p.Leu109Val). This variant is not present in population databases (gnomAD no frequency). This variant has not been reported in the literature in individuals affected with MSH6-related conditions. ClinVar contains an entry for this variant (Variation ID: 419438). Invitae Evidence Modeling of protein sequence and biophysical properties (such as structural, functional, and spatial information, amino acid conservation, physicochemical variation, residue mobility, and thermodynamic stability) indicates that this missense variant is not expected to disrupt MSH6 protein function with a negative predictive value of 95%. In summary, the available evidence is currently insufficient to determine the role of this variant in disease. Therefore, it has been classified as a Variant of Uncertain Significance.

Quest Diagnostics Nichols Institute San Juan Capistrano
Classification: Uncertain significance. Last evaluated: 2024-01-10. Review status: criteria provided, single submitter. Criteria: Quest Diagnostics criteria. Collection method: clinical testing. Allele origin: unknown.
Comment: The MSH6 c.325C>G (p.Leu109Val) variant has not been identified in the germline state in individuals with MSH6-related conditions. The frequency of this variant in the general population, 0.0000066 (1/152194 chromosomes (Genome Aggregation Database)), is uninformative in the assessment of its pathogenicity. Analysis of this variant using bioinformatics tools for the prediction of the effect of amino acid changes on protein structure and function yielded conflicting predictions that this variant is benign or damaging. Based on the available information, we are unable to determine the clinical significance of this variant.

Ambry Genetics
Classification: Uncertain significance for Hereditary cancer-predisposing syndrome. Last evaluated: 2023-10-20. Review status: criteria provided, single submitter. Criteria: Ambry Variant Classification Scheme 2023. Collection method: clinical testing. Allele origin: germline.
Comment: The p.L109V variant (also known as c.325C>G), located in coding exon 2 of the MSH6 gene, results from a C to G substitution at nucleotide position 325. The leucine at codon 109 is replaced by valine, an amino acid with highly similar properties. This amino acid position is conserved. In addition, this alteration is predicted to be tolerated by in silico analysis. Since supporting evidence is limited at this time, the clinical significance of this alteration remains unclear.

Color Diagnostics, LLC DBA Color Health
Classification: Uncertain significance for Hereditary cancer-predisposing syndrome. Last evaluated: 2018-10-10. Review status: criteria provided, single submitter. Criteria: ACMG Guidelines, 2015. Collection method: clinical testing. Allele origin: germline.

GeneDx
Classification: Uncertain significance. Last evaluated: 2016-07-21. Review status: criteria provided, single submitter. Criteria: GeneDx Variant Classification (06012015). Collection method: clinical testing. Allele origin: germline. Affected: yes.
Comment: This variant is denoted MSH6 c.325C>G at the cDNA level, p.Leu109Val (L109V) at the protein level, and results in the change of a Leucine to a Valine (CTG>GTG). This variant has not, to our knowledge, been published in the literature as either a germline pathogenic variant or a benign polymorphism. However, it has been reported as a somatic variant in a malignant glioma (Maxwell 2008). MSH6 Leu109Val was not observed in approximately 6,500 individuals of European and African American ancestry in the NHLBI Exome Sequencing Project, suggesting it is not a common benign variant in these populations. Since Leucine and Valine share similar properties, this is considered a conservative amino acid substitution. MSH6 Leu109Val occurs at a position where amino acids with properties similar to Leucine are tolerated across species and is located within the PWWP domain (Terui 2013). In silico analyses are inconsistent regarding the effect this variant may have on protein structure and function. Based on currently available evidence, it is unclear whether MSH6 Leu109Val is a pathogenic or benign variant. We consider it to be a variant of uncertain significance.

Literature cited by the submitters: PubMed 18676759 (cited by Quest Diagnostics Nichols Institute San Juan Capistrano).

NM_000179.3(MSH6):c.325C>G (p.Leu109Val)

Gene: MSH6 (mutS homolog 6; plus strand). Cytogenetic location: 2p16.3.
Variant type: single nucleotide variant.
Coding change: c.325C>G on transcript NM_000179.3 (MANE Select); coding-DNA position 325, C replaced by G.
Protein change: p.Leu109Val; replaces leucine 109 with valine.
Molecular consequence: missense variant. On other transcripts: 5 prime UTR variant (2), intron variant (1).
Genome position (GRCh38, 1-based): chr2:47,790,991, C>G. VCF-style: chr2-47790991-C-G. GRCh37 (hg19) VCF-style: chr2-48018130-C-G.
Other names: c.-412C>G (NM_001281493.2); c.-578C>G (NM_001281494.2); c.237+7521C>G (NM_001281492.2); short protein forms L109V.
Identifiers: ClinVar variation 419438 (VCV000419438.14), dbSNP rs1064793870, ClinGen allele CA16617625.